The following is an entry in ClinVar:

NM_006361.6(HOXB13):c.602-2A>G

Gene: HOXB13 (homeobox B13; minus strand). Cytogenetic location: 17q21.32.
Variant type: single nucleotide variant.
Coding change: c.602-2A>G on transcript NM_006361.6 (MANE Select); the canonical splice acceptor site of the intron before coding-DNA position 602, A replaced by G.
Molecular consequence: splice acceptor variant.
Genome position (GRCh38, 1-based): chr17:48,727,045, T>C on the plus strand (A>G on the coding strand, the complement: HOXB13 is on the minus strand). VCF-style: chr17-48727045-T-C. GRCh37 (hg19) VCF-style: chr17-46804407-T-C.
Identifiers: ClinVar variation 1399335 (VCV001399335.5), dbSNP rs1331467831, ClinGen allele CA400107084.

ClinVar aggregate classification (germline): Uncertain significance (1 of 4 stars; one submission).

Allele frequency attached by ClinVar (database versions not stated): gnomAD exomes below 0.00001 and 0.00001.

Submission:

Labcorp Genetics (formerly Invitae), Labcorp
Classification: Uncertain significance. Last evaluated: 2023-02-14. Review status: criteria provided, single submitter. Criteria: Invitae Variant Classification Sherloc (09022015). Collection method: clinical testing. Allele origin: germline.
Comment: In summary, the available evidence is currently insufficient to determine the role of this variant in disease. Therefore, it has been classified as a Variant of Uncertain Significance. Variants that disrupt the consensus splice site are a relatively common cause of aberrant splicing (PMID: 17576681, 9536098). Algorithms developed to predict the effect of sequence changes on RNA splicing suggest that this variant may disrupt the consensus splice site. ClinVar contains an entry for this variant (Variation ID: 1399335). This variant has not been reported in the literature in individuals affected with HOXB13-related conditions. This variant is present in population databases (no rsID available, gnomAD 0.002%). This sequence change falls in intron 1 of the HOXB13 gene. It does not directly change the encoded amino acid sequence of the HOXB13 protein. It affects a nucleotide within the consensus splice site.

Literature cited by the submitters: PubMed 17576681; PubMed 9536098.